The following is an entry in ClinVar:

ClinVar aggregate classification (germline): Uncertain significance. Review status: criteria provided, multiple submitters, no conflicts (2 of 4 stars). 2 submissions from 2 submitters: Uncertain significance (2). Last evaluated 2022-01-06.

Conditions:
Emery-Dreifuss muscular dystrophy 4, autosomal dominant (EDMD4). Also called: EMERY-DREIFUSS MUSCULAR DYSTROPHY 4 WITH VARIABLE FEATURES. Identifiers: Orphanet 261, MedGen C2751807, MONDO:0013071, OMIM 612998.
Autosomal recessive ataxia, Beauce type. Also called: Spinocerebellar ataxia, autosomal recessive 8; ATAXIA, RECESSIVE, OF BEAUCE; SYNE1-Related Autosomal Recessive Cerebellar Ataxia; SYNE1 Deficiency. Identifiers: Orphanet 88644, MedGen C1853116, MONDO:0012549, OMIM 610743.
Arthrogryposis multiplex congenita 3, myogenic type. Also called: ARTHROGRYPOSIS MULTIPLEX CONGENITA, MYOGENIC TYPE. Identifiers: MedGen C5193121, MONDO:0032778, OMIM 618484.

Allele frequency attached by ClinVar (database versions not stated): gnomAD 0.00001; gnomAD exomes 0.00001 and 0.00003; ExAC 0.00002; TOPMed 0.00004.
gnomAD v4.1: 18 of 1,614,094 alleles (0.0011%); highest among the groups gnomAD compares: East Asian, 0.04%; no homozygotes.

Submissions (2):

Fulgent Genetics
Classification: Uncertain significance for Autosomal recessive ataxia, Beauce type; Emery-Dreifuss muscular dystrophy 4, autosomal dominant; Arthrogryposis multiplex congenita 3, myogenic type. Last evaluated: 2022-01-06. Review status: criteria provided, single submitter. Criteria: ACMG Guidelines, 2015. Collection method: clinical testing. Allele origin: unknown.

Labcorp Genetics (formerly Invitae), Labcorp
Classification: Uncertain significance for Emery-Dreifuss muscular dystrophy 4, autosomal dominant; Autosomal recessive ataxia, Beauce type. Last evaluated: 2018-09-26. Review status: criteria provided, single submitter. Criteria: Invitae Variant Classification Sherloc (09022015). Collection method: clinical testing. Allele origin: germline.
Comment: Algorithms developed to predict the effect of missense changes on protein structure and function (SIFT, PolyPhen-2, Align-GVGD) all suggest that this variant is likely to be disruptive, but these predictions have not been confirmed by published functional studies and their clinical significance is uncertain. In summary, the available evidence is currently insufficient to determine the role of this variant in disease. Therefore, it has been classified as a Variant of Uncertain Significance. This variant has not been reported in the literature in individuals with SYNE1-related disease. This variant is present in population databases (rs758415122, ExAC 0.03%). This sequence change replaces asparagine with histidine at codon 3712 of the SYNE1 protein (p.Asn3712His). The asparagine residue is highly conserved and there is a small physicochemical difference between asparagine and histidine.

NM_182961.4(SYNE1):c.11179A>C (p.Asn3727His)

Gene: SYNE1 (spectrin repeat containing nuclear envelope protein 1; minus strand). Cytogenetic location: 6q25.2.
Variant type: single nucleotide variant.
Coding change: c.11179A>C on transcript NM_182961.4 (MANE Select); coding-DNA position 11179, A replaced by C.
Protein change: p.Asn3727His; replaces asparagine 3727 with histidine.
Molecular consequence: missense variant.
Genome position (GRCh38, 1-based): chr6:152,353,337, T>G on the plus strand (A>C on the coding strand, the complement: SYNE1 is on the minus strand). VCF-style: chr6-152353337-T-G. GRCh37 (hg19) VCF-style: chr6-152674472-T-G.
Other names: c.11134A>C, p.Asn3712His (NM_033071.5); short protein forms N3712H, N3727H.
Identifiers: ClinVar variation 663787 (VCV000663787.9), dbSNP rs758415122, ClinGen allele CA4056760.